The following is an entry in ClinVar:

ClinVar aggregate classification (germline): Uncertain significance. Review status: criteria provided, multiple submitters, no conflicts (2 of 4 stars). 7 submissions from 7 submitters: Uncertain significance (7). Last evaluated 2026-01-31.

Conditions:
BARD1-related cancer predisposition. Identifiers: MedGen CN377756, MONDO:0700267.
Hereditary cancer-predisposing syndrome. Also called: Neoplastic Syndromes, Hereditary; Hereditary neoplastic syndrome; Tumor predisposition; Hereditary Cancer Syndrome. Identifiers: Orphanet 140162, MedGen C0027672, MeSH D009386, MONDO:0015356.
Familial cancer of breast. Also called: BREAST CANCER, FAMILIAL; hereditary breast carcinoma; Hereditary breast cancer. Identifiers: Orphanet 227535, MedGen C0346153, MONDO:0016419, OMIM 114480. Disease mechanism: loss of function.

Allele frequency attached by ClinVar (database versions not stated): ExAC 0.00001; gnomAD exomes 0.00001 and 0.00002; TOPMed 0.00001; gnomAD 0.00003 and 0.00004.
gnomAD v4.1: 40 of 1,586,876 alleles (0.0025%); highest among the groups gnomAD compares: African/African-American, 0.0068%; no homozygotes.

Submissions (7):

Labcorp Genetics (formerly Invitae), Labcorp
Classification: Uncertain significance for Familial cancer of breast. Last evaluated: 2026-01-31. Review status: criteria provided, single submitter. Criteria: Invitae Variant Classification Sherloc (09022015). Collection method: clinical testing. Allele origin: germline.
Comment: This sequence change replaces serine, which is neutral and polar, with phenylalanine, which is neutral and non-polar, at codon 231 of the BARD1 protein (p.Ser231Phe). This variant is present in population databases (rs758140052, gnomAD 0.007%). This variant has not been reported in the literature in individuals affected with BARD1-related conditions. ClinVar contains an entry for this variant (Variation ID: 237842). An algorithm developed to predict the effect of missense changes on protein structure and function (PolyPhen-2) suggests that this variant is likely to be tolerated. In summary, the available evidence is currently insufficient to determine the role of this variant in disease. Therefore, it has been classified as a Variant of Uncertain Significance.

Ambry Genetics
Classification: Uncertain significance for Hereditary cancer-predisposing syndrome. Last evaluated: 2024-11-22. Review status: criteria provided, single submitter. Criteria: Ambry Variant Classification Scheme 2023. Collection method: clinical testing. Allele origin: germline.
Comment: The p.S231F variant (also known as c.692C>T), located in coding exon 4 of the BARD1 gene, results from a C to T substitution at nucleotide position 692. The serine at codon 231 is replaced by phenylalanine, an amino acid with highly dissimilar properties. This amino acid position is not well conserved in available vertebrate species. In addition, this alteration is predicted to be tolerated by in silico analysis. Based on the available evidence, the clinical significance of this variant remains unclear.

Molecular Pathology, Peter Maccallum Cancer Centre
Classification: Uncertain significance for BARD1-related cancer predisposition. Last evaluated: 2024-02-24. Review status: criteria provided, single submitter. Criteria: ACMG Guidelines, 2015. Collection method: clinical testing. Allele origin: germline. Inheritance: Autosomal dominant inheritance.

Color Diagnostics, LLC DBA Color Health
Classification: Uncertain significance for Hereditary cancer-predisposing syndrome. Last evaluated: 2023-09-18. Review status: criteria provided, single submitter. Criteria: ACMG Guidelines, 2015. Collection method: clinical testing. Allele origin: germline.
Comment: This missense variant replaces serine with phenylalanine at codon 231 of the BARD1 protein. Computational prediction suggests that this variant may not impact protein structure and function (internally defined REVEL score threshold <= 0.5, PMID: 27666373). To our knowledge, functional studies have not been reported for this variant. In a large breast cancer case-control meta analysis conducted by the BRIDGES consortium, this variant was reported in 2/60466 cases and 7/53461 unaffected controls (PMID: 33471991; Leiden Open Variation Database DB-ID BARD1_000384). This variant has been identified in 2/225222 chromosomes in the general population by the Genome Aggregation Database (gnomAD). The available evidence is insufficient to determine the role of this variant in disease conclusively. Therefore, this variant is classified as a Variant of Uncertain Significance.

Baylor Genetics
Classification: Uncertain significance for Familial cancer of breast. Last evaluated: 2022-10-19. Review status: criteria provided, single submitter. Criteria: ACMG Guidelines, 2015. Collection method: clinical testing. Allele origin: unknown.

Fulgent Genetics
Classification: Uncertain significance for Familial cancer of breast. Last evaluated: 2021-08-18. Review status: criteria provided, single submitter. Criteria: ACMG Guidelines, 2015. Collection method: clinical testing. Allele origin: unknown.

GeneDx
Classification: Uncertain significance. Last evaluated: 2016-09-12. Review status: criteria provided, single submitter. Criteria: GeneDx Variant Classification (06012015). Collection method: clinical testing. Allele origin: germline. Affected: yes.
Comment: This variant is denoted BARD1 c.692C>T at the cDNA level, p.Ser231Phe (S231F) at the protein level, and results in the change of a Serine to a Phenylalanine (TCC>TTC). This variant has not, to our knowledge, been published in the literature as pathogenic or benign. BARD1 Ser231Phe was not observed in approximately 6,500 individuals of European and African American ancestry in the NHLBI Exome Sequencing Project, suggesting it is not a common benign variant in these populations. Since Serine and Phenylalanine differ in polarity, charge, size or other properties, this is considered a non-conservative amino acid substitution. BARD1 Ser231Phe occurs at a position that is not conserved and is not located in a known functional domain (UniProt). In silico analyses are inconsistent regarding the effect this variant may have on protein structure and function. Based on currently available evidence, it is unclear whether BARD1 Ser231Phe is a pathogenic or benign variant. We consider it to be a variant of uncertain significance.

Literature cited by the submitters: PubMed 33471991 (cited by Color Diagnostics, LLC DBA Color Health).

NM_000465.4(BARD1):c.692C>T (p.Ser231Phe)

Gene: BARD1 (BRCA1 associated RING domain 1; minus strand). Cytogenetic location: 2q35.
Variant type: single nucleotide variant.
Coding change: c.692C>T on transcript NM_000465.4 (MANE Select); coding-DNA position 692, C replaced by T.
Protein change: p.Ser231Phe; replaces serine 231 with phenylalanine.
Molecular consequence: missense variant. On other transcripts: non-coding transcript variant (2), intron variant (3).
Genome position (GRCh38, 1-based): chr2:214,781,182, G>A on the plus strand (C>T on the coding strand, the complement: BARD1 is on the minus strand). VCF-style: chr2-214781182-G-A. GRCh37 (hg19) VCF-style: chr2-215645906-G-A.
Other names: c.635C>T, p.Ser212Phe (NM_001282543.2); c.158+28230C>T (NM_001282548.2); c.215+15879C>T (NM_001282545.2); c.364+11115C>T (NM_001282549.2); short protein forms S231F, S212F.
Identifiers: ClinVar variation 237842 (VCV000237842.24), dbSNP rs758140052, ClinGen allele CA2090394.